The following is an entry in ClinVar:

ClinVar aggregate classification (germline): Uncertain significance (1 of 4 stars; one submission).

gnomAD v4.1: 6 of 1,607,946 alleles (0.00037%); highest among the groups gnomAD compares: African/African-American, 0.0027%; no homozygotes.

Submission:

Labcorp Genetics (formerly Invitae), Labcorp
Classification: Uncertain significance. Last evaluated: 2023-05-08. Review status: criteria provided, single submitter. Criteria: Invitae Variant Classification Sherloc (09022015). Collection method: clinical testing. Allele origin: germline.
Comment: This variant is not present in population databases (gnomAD no frequency). In summary, the available evidence is currently insufficient to determine the role of this variant in disease. Therefore, it has been classified as a Variant of Uncertain Significance. An algorithm developed to predict the effect of missense changes on protein structure and function (PolyPhen-2) suggests that this variant is likely to be disruptive. This variant has not been reported in the literature in individuals affected with TNK2-related conditions. This sequence change replaces arginine, which is basic and polar, with glycine, which is neutral and non-polar, at codon 927 of the TNK2 protein (p.Arg927Gly).

NM_001382273.1(TNK2):c.2590C>G (p.Arg864Gly)

Gene: TNK2 (tyrosine kinase non receptor 2; minus strand). Cytogenetic location: 3q29.
Variant type: single nucleotide variant.
Coding change: c.2590C>G on transcript NM_001382273.1 (MANE Select); coding-DNA position 2590, C replaced by G.
Protein change: p.Arg864Gly; replaces arginine 864 with glycine.
Molecular consequence: missense variant. On other transcripts: non-coding transcript variant (15).
Genome position (GRCh38, 1-based): chr3:195,867,708, G>C on the plus strand (C>G on the coding strand, the complement: TNK2 is on the minus strand). VCF-style: chr3-195867708-G-C. GRCh37 (hg19) VCF-style: chr3-195594579-G-C.
Other names: c.2662C>G, p.Arg888Gly (NM_001010938.2, NM_001382272.1); c.2641C>G, p.Arg881Gly (NM_001308046.2, NM_001382271.1); c.2590C>G, p.Arg864Gly (NM_001382274.1, NM_001387716.1, NM_001387717.1 and 1 more transcripts); c.2686C>G, p.Arg896Gly (NM_001382275.1, NM_001387707.1); c.2545C>G, p.Arg849Gly (NM_001386164.1, NM_001387709.1, NM_001387710.1 and 8 more transcripts); c.2617C>G, p.Arg873Gly (NM_001387708.1, NM_001387715.1); short protein forms R888G, R896G, R849G, R873G, R864G, R881G.
Identifiers: ClinVar variation 2730049 (VCV002730049.3), dbSNP rs550521078, ClinGen allele CA90748925.